The following is an entry in ClinVar:

NM_174936.4(PCSK9):c.658-10C>T

Gene: PCSK9 (proprotein convertase subtilisin/kexin type 9; plus strand). Cytogenetic location: 1p32.3.
Variant type: single nucleotide variant.
Coding change: c.658-10C>T on transcript NM_174936.4 (MANE Select); 10 bases into the intron before coding-DNA position 658, C replaced by T.
Molecular consequence: intron variant.
Genome position (GRCh38, 1-based): chr1:55,052,640, C>T. VCF-style: chr1-55052640-C-T. GRCh37 (hg19) VCF-style: chr1-55518313-C-T.
Identifiers: ClinVar variation 926977 (VCV000926977.8), dbSNP rs375695759, ClinGen allele CA043781.

ClinVar aggregate classification (germline): Likely benign. Review status: criteria provided, multiple submitters, no conflicts (2 of 4 stars). 5 submissions from 5 submitters: Likely benign (5). Last evaluated 2025-03-03.

Conditions:
Familial hypercholesterolemia. Also called: Familial hypercholesterolaemia; Familial hypercholesterolemias. Identifiers: MedGen C0020445, MONDO:0005439.
Hypercholesterolemia, autosomal dominant, 3 (FHCL3). Also called: PCSK9-Related Familial Hypercholesterolemia, Autosomal Dominant; Familial hypercholesterolemia 3; Familial Hypercholesterolemia, Autosomal Dominant, 3. Identifiers: MedGen C1863551, MONDO:0011369, OMIM 603776.

Allele frequency attached by ClinVar (database versions not stated): TOPMed 0.00001; gnomAD exomes 0.00003.
gnomAD v4.1: 28 of 1,612,604 alleles (0.0017%); highest among the groups gnomAD compares: Admixed American, 0.0033%; no homozygotes.

Submissions (5):

Women's Health and Genetics/Laboratory Corporation of America, LabCorp
Classification: Likely benign. Last evaluated: 2025-03-03. Review status: criteria provided, single submitter. Criteria: LabCorp Variant Classification Summary - May 2015. Collection method: clinical testing. Allele origin: germline.
Comment: Variant summary: PCSK9 c.658-10C>T alters a non-conserved nucleotide located at a position not widely known to affect splicing. Consensus agreement among computation tools predict no significant impact on normal splicing. However, these predictions have yet to be confirmed by functional studies. The variant allele was found at a frequency of 2.8e-05 in 248778 control chromosomes (gnomAD). The available data on variant occurrences in the general population are insufficient to allow any conclusion about variant significance. c.658-10C>T has been reported in the literature (Leo_2009). This report, however, does not provide unequivocal conclusions about association of the variant with Familial Hypercholesterolemia. To our knowledge, no experimental evidence demonstrating an impact on protein function has been reported. The following publication has been ascertained in the context of this evaluation (PMID: 19084451). ClinVar contains an entry for this variant (Variation ID: 926977). Based on the evidence outlined above, the variant was classified as likely benign.

ARUP Laboratories, Molecular Genetics and Genomics, ARUP Laboratories
Classification: Likely benign. Last evaluated: 2024-10-18. Review status: criteria provided, single submitter. Criteria: ARUP Molecular Germline Variant Investigation Process 2024. Collection method: clinical testing. Allele origin: germline.

Labcorp Genetics (formerly Invitae), Labcorp
Classification: Likely benign for Hypercholesterolemia, autosomal dominant, 3. Last evaluated: 2024-01-11. Review status: criteria provided, single submitter. Criteria: Invitae Variant Classification Sherloc (09022015). Collection method: clinical testing. Allele origin: germline.

All of Us Research Program, National Institutes of Health
Classification: Likely benign for Hypercholesterolemia, autosomal dominant, 3. Last evaluated: 2023-12-13. Review status: criteria provided, single submitter. Criteria: ACMG Guidelines, 2015. Collection method: clinical testing. Allele origin: germline. Inheritance: Autosomal dominant inheritance. Observed: 4 variant alleles, 4 heterozygotes.
Comment: This study involves interpretation of variants in research participants for the purpose of population health screening. Participant phenotype was not available at the time of variant classification. Additional details can be found in publication PMID: 35346344, PMCID: PMC8962531

Color Diagnostics, LLC DBA Color Health
Classification: Likely benign for Familial hypercholesterolemia. Last evaluated: 2018-12-01. Review status: criteria provided, single submitter. Criteria: ACMG Guidelines, 2015. Collection method: clinical testing. Allele origin: germline.

Literature cited by the submitters: PubMed 19084451 (cited by Women's Health and Genetics/Laboratory Corporation of America, LabCorp).